The following is an entry in ClinVar:

NM_001792.5(CDH2):c.1576C>T (p.Arg526Ter)

Gene: CDH2 (cadherin 2; minus strand). Cytogenetic location: 18q12.1.
Variant type: single nucleotide variant.
Coding change: c.1576C>T on transcript NM_001792.5 (MANE Select); coding-DNA position 1576, C replaced by T.
Protein change: p.Arg526Ter; replaces arginine 526 with a stop codon.
Molecular consequence: nonsense.
Genome position (GRCh38, 1-based): chr18:27,990,119, G>A on the plus strand (C>T on the coding strand, the complement: CDH2 is on the minus strand). VCF-style: chr18-27990119-G-A. GRCh37 (hg19) VCF-style: chr18-25570083-G-A.
Other names: c.1483C>T, p.Arg495Ter (NM_001308176.2); short protein forms R526*, R495*.
Identifiers: ClinVar variation 3646951 (VCV003646951.2).

ClinVar aggregate classification (germline): Uncertain significance (1 of 4 stars; one submission).

gnomAD v4.1: 2 of 1,613,734 alleles (0.00012%); highest among the groups gnomAD compares: South Asian, 0.0011%; no homozygotes.

Submission:

Labcorp Genetics (formerly Invitae), Labcorp
Classification: Uncertain significance. Last evaluated: 2024-03-20. Review status: criteria provided, single submitter. Criteria: Invitae Variant Classification Sherloc (09022015). Collection method: clinical testing. Allele origin: germline.
Comment: This sequence change creates a premature translational stop signal (p.Arg526*) in the CDH2 gene. It is expected to result in an absent or disrupted protein product. However, the current clinical and genetic evidence is not sufficient to establish whether loss-of-function variants in CDH2 cause disease. This variant is present in population databases (no rsID available, gnomAD 0.007%). This variant has not been reported in the literature in individuals affected with CDH2-related conditions. In summary, the available evidence is currently insufficient to determine the role of this variant in disease. Therefore, it has been classified as a Variant of Uncertain Significance.